The following is an entry in ClinVar:

ClinVar aggregate classification (germline): Uncertain significance. Review status: criteria provided, multiple submitters, no conflicts (2 of 4 stars). 2 submissions from 2 submitters: Uncertain significance (2). Last evaluated 2025-08-09.

Conditions:
Congenital disorder of glycosylation type Ir (CDG1R). Also called: DDOST-congenital disorder of glycosylation. Identifiers: Orphanet 300536, MedGen C3281084, MONDO:0013789, OMIM 614507.

Allele frequency attached by ClinVar (database versions not stated): ExAC 0.00004; gnomAD exomes 0.00016; TOPMed 0.00039; gnomAD 0.00042.
gnomAD v4.1: 135 of 1,611,286 alleles (0.0084%); highest among the groups gnomAD compares: Admixed American, 0.17%; 1 homozygote.

Submissions (2):

Ambry Genetics
Classification: Uncertain significance. Last evaluated: 2025-08-09. Review status: criteria provided, single submitter. Criteria: Ambry Variant Classification Scheme 2023. Collection method: clinical testing. Allele origin: germline.

Labcorp Genetics (formerly Invitae), Labcorp
Classification: Uncertain significance for Congenital disorder of glycosylation type Ir. Last evaluated: 2025-03-18. Review status: criteria provided, single submitter. Criteria: Invitae Variant Classification Sherloc (09022015). Collection method: clinical testing. Allele origin: germline.
Comment: This sequence change replaces asparagine, which is neutral and polar, with serine, which is neutral and polar, at codon 323 of the DDOST protein (p.Asn323Ser). This variant is present in population databases (rs764755742, gnomAD 0.1%), and has an allele count higher than expected for a pathogenic variant. This variant has not been reported in the literature in individuals affected with DDOST-related conditions. ClinVar contains an entry for this variant (Variation ID: 1382384). Invitae Evidence Modeling of protein sequence and biophysical properties (such as structural, functional, and spatial information, amino acid conservation, physicochemical variation, residue mobility, and thermodynamic stability) indicates that this missense variant is not expected to disrupt DDOST protein function with a negative predictive value of 80%. In summary, the available evidence is currently insufficient to determine the role of this variant in disease. Therefore, it has been classified as a Variant of Uncertain Significance.

NM_005216.5(DDOST):c.917A>G (p.Asn306Ser)

Gene: DDOST (dolichyl-diphosphooligosaccharide--protein glycosyltransferase non-catalytic subunit; minus strand). Cytogenetic location: 1p36.12.
Variant type: single nucleotide variant.
Coding change: c.917A>G on transcript NM_005216.5 (MANE Select); coding-DNA position 917, A replaced by G.
Protein change: p.Asn306Ser; replaces asparagine 306 with serine.
Molecular consequence: missense variant.
Genome position (GRCh38, 1-based): chr1:20,653,652, T>C on the plus strand (A>G on the coding strand, the complement: DDOST is on the minus strand). VCF-style: chr1-20653652-T-C. GRCh37 (hg19) VCF-style: chr1-20980145-T-C.
Other names: c.968A>G (NM_005216.4); short protein forms N306S.
Identifiers: ClinVar variation 1382384 (VCV001382384.9), dbSNP rs764755742, ClinGen allele CA661086.